The following is an entry in ClinVar:

ClinVar aggregate classification (germline): Uncertain significance (1 of 4 stars; one submission).

Conditions:
Brugada syndrome 4 (BRGDA4). Identifiers: Orphanet 130, MedGen C2678477, MONDO:0012743, OMIM 611876.

Allele frequency attached by ClinVar (database versions not stated): gnomAD 0.00001; ExAC 0.00002.
gnomAD v4.1: 14 of 1,613,620 alleles (0.00087%); highest among the groups gnomAD compares: East Asian, 0.0022%; no homozygotes.

Submission:

Labcorp Genetics (formerly Invitae), Labcorp
Classification: Uncertain significance for Brugada syndrome 4. Last evaluated: 2021-08-20. Review status: criteria provided, single submitter. Criteria: Invitae Variant Classification Sherloc (09022015). Collection method: clinical testing. Allele origin: germline.
Comment: This sequence change replaces glycine with arginine at codon 542 of the CACNB2 protein (p.Gly542Arg). The glycine residue is moderately conserved and there is a moderate physicochemical difference between glycine and arginine. This variant is present in population databases (rs751230406, ExAC 0.006%). This variant has not been reported in the literature in individuals affected with CACNB2-related conditions. Algorithms developed to predict the effect of missense changes on protein structure and function are either unavailable or do not agree on the potential impact of this missense change (SIFT: "Deleterious"; PolyPhen-2: "Benign"; Align-GVGD: "Class C0"). In summary, the available evidence is currently insufficient to determine the role of this variant in disease. Therefore, it has been classified as a Variant of Uncertain Significance.

NM_201596.3(CACNB2):c.1786G>A (p.Gly596Arg)

Gene: CACNB2 (calcium voltage-gated channel auxiliary subunit beta 2; plus strand). Cytogenetic location: 10p12.31.
Variant type: single nucleotide variant.
Coding change: c.1786G>A on transcript NM_201596.3 (MANE Select); coding-DNA position 1786, G replaced by A.
Protein change: p.Gly596Arg; replaces glycine 596 with arginine.
Molecular consequence: missense variant.
Genome position (GRCh38, 1-based): chr10:18,539,527, G>A. VCF-style: chr10-18539527-G-A. GRCh37 (hg19) VCF-style: chr10-18828456-G-A.
Other names: c.1621G>A, p.Gly541Arg (NM_000724.4); c.1588G>A, p.Gly530Arg (NM_001167945.2); c.1507G>A, p.Gly503Arg (NM_001330060.2); c.1642G>A, p.Gly548Arg (NM_201570.3); c.1702G>A, p.Gly568Arg (NM_201571.4); c.1630G>A, p.Gly544Arg (NM_201572.4); c.1624G>A, p.Gly542Arg (NM_201590.3); c.1672G>A, p.Gly558Arg (NM_201593.3); and 1 more; short protein forms G530R, G568R, G596R, G542R, G558R, G572R, G503R, G541R.
Identifiers: ClinVar variation 1449481 (VCV001449481.5), dbSNP rs751230406, ClinGen allele CA5430170.